The following is an entry in ClinVar:

ClinVar aggregate classification (germline): Uncertain significance. Review status: criteria provided, multiple submitters, no conflicts (2 of 4 stars). 2 submissions from 2 submitters: Uncertain significance (2). Last evaluated 2025-08-24.

Conditions:
Inborn genetic diseases. Identifiers: MedGen C0950123, MeSH D030342.
Familial cold autoinflammatory syndrome 4 (FCAS4). Identifiers: Orphanet 47045, Orphanet 576349, MedGen C4015276, MONDO:0014498, OMIM 616115.
Periodic fever-infantile enterocolitis-autoinflammatory syndrome. Also called: Autoinflammation with infantile enterocolitis. Identifiers: Orphanet 436166, MedGen C4015067, MONDO:0014472, OMIM 616050.

Allele frequency attached by ClinVar (database versions not stated): ExAC 0.00002; TOPMed 0.00001; gnomAD exomes 0.00002.
gnomAD v4.1: 11 of 1,614,020 alleles (0.00068%); highest among the groups gnomAD compares: Middle Eastern, 0.016%; no homozygotes.

Submissions (2):

Ambry Genetics
Classification: Uncertain significance for Inborn genetic diseases. Last evaluated: 2025-08-24. Review status: criteria provided, single submitter. Criteria: Ambry Variant Classification Scheme 2023. Collection method: clinical testing. Allele origin: germline.

Labcorp Genetics (formerly Invitae), Labcorp
Classification: Uncertain significance for Periodic fever-infantile enterocolitis-autoinflammatory syndrome; Familial cold autoinflammatory syndrome 4. Last evaluated: 2024-03-07. Review status: criteria provided, single submitter. Criteria: Invitae Variant Classification Sherloc (09022015). Collection method: clinical testing. Allele origin: germline.
Comment: This sequence change replaces histidine, which is basic and polar, with glutamine, which is neutral and polar, at codon 378 of the NLRC4 protein (p.His378Gln). This variant is present in population databases (rs779291946, gnomAD 0.004%). This variant has not been reported in the literature in individuals affected with NLRC4-related conditions. ClinVar contains an entry for this variant (Variation ID: 1046482). Advanced modeling of protein sequence and biophysical properties (such as structural, functional, and spatial information, amino acid conservation, physicochemical variation, residue mobility, and thermodynamic stability) performed at Invitae indicates that this missense variant is not expected to disrupt NLRC4 protein function with a negative predictive value of 80%. In summary, the available evidence is currently insufficient to determine the role of this variant in disease. Therefore, it has been classified as a Variant of Uncertain Significance.

NM_001199138.2(NLRC4):c.1134T>G (p.His378Gln)

Gene: NLRC4 (NLR family CARD domain containing 4; minus strand). Cytogenetic location: 2p22.3.
Variant type: single nucleotide variant.
Coding change: c.1134T>G on transcript NM_001199138.2 (MANE Select); coding-DNA position 1134, T replaced by G.
Protein change: p.His378Gln; replaces histidine 378 with glutamine.
Molecular consequence: missense variant. On other transcripts: intron variant (1).
Genome position (GRCh38, 1-based): chr2:32,250,730, A>C on the plus strand (T>G on the coding strand, the complement: NLRC4 is on the minus strand). VCF-style: chr2-32250730-A-C. GRCh37 (hg19) VCF-style: chr2-32475799-A-C.
Other names: c.1134T>G, p.His378Gln (NM_001199139.2, NM_021209.5); c.262+1689T>G (NM_001302504.1); short protein forms H378Q.
Identifiers: ClinVar variation 1046482 (VCV001046482.11), dbSNP rs779291946, ClinGen allele CA1602033.